The following is an entry in ClinVar:

NM_173728.4(ARHGEF15):c.1927G>A (p.Glu643Lys)

Gene: ARHGEF15 (Rho guanine nucleotide exchange factor 15; plus strand). Cytogenetic location: 17p13.1.
Variant type: single nucleotide variant.
Coding change: c.1927G>A on transcript NM_173728.4 (MANE Select); coding-DNA position 1927, G replaced by A.
Protein change: p.Glu643Lys; replaces glutamic acid 643 with lysine.
Molecular consequence: missense variant.
Genome position (GRCh38, 1-based): chr17:8,318,804, G>A. VCF-style: chr17-8318804-G-A. GRCh37 (hg19) VCF-style: chr17-8222122-G-A.
Other names: c.1927G>A, p.Glu643Lys (NM_025014.2); short protein forms E643K.
Identifiers: ClinVar variation 2093679 (VCV002093679.4), dbSNP rs2543947718, ClinGen allele CA398023530.

ClinVar aggregate classification (germline): Uncertain significance (1 of 4 stars; one submission).

Conditions:
Early-infantile DEE. Also called: Ohtahara syndrome; Early infantile epileptic encephalopathy with suppression bursts; Early infantile epileptic encephalopathy. Identifiers: Orphanet 1934, MedGen C0393706, MONDO:0800491.

Submission:

Labcorp Genetics (formerly Invitae), Labcorp
Classification: Uncertain significance for Early-infantile DEE. Last evaluated: 2025-05-19. Review status: criteria provided, single submitter. Criteria: Invitae Variant Classification Sherloc (09022015). Collection method: clinical testing. Allele origin: germline.
Comment: This sequence change replaces glutamic acid, which is acidic and polar, with lysine, which is basic and polar, at codon 643 of the ARHGEF15 protein (p.Glu643Lys). This variant is not present in population databases (gnomAD no frequency). This variant has not been reported in the literature in individuals affected with ARHGEF15-related conditions. ClinVar contains an entry for this variant (Variation ID: 2093679). An algorithm developed to predict the effect of missense changes on protein structure and function (PolyPhen-2) suggests that this variant is likely to be disruptive. In summary, the available evidence is currently insufficient to determine the role of this variant in disease. Therefore, it has been classified as a Variant of Uncertain Significance.